The following is an entry in ClinVar:

NM_000719.7(CACNA1C):c.1794C>T (p.Gly598=)

Gene: CACNA1C (calcium voltage-gated channel subunit alpha1 C; plus strand). Cytogenetic location: 12p13.33.
Variant type: single nucleotide variant.
Coding change: c.1794C>T on transcript NM_000719.7 (MANE Select); coding-DNA position 1794, C replaced by T.
Protein change: p.Gly598=; no amino-acid change (glycine 598 retained).
Molecular consequence: synonymous variant.
Genome position (GRCh38, 1-based): chr12:2,567,693, C>T. VCF-style: chr12-2567693-C-T. GRCh37 (hg19) VCF-style: chr12-2676859-C-T.
Other names: p.G598G:GGC>GGT; c.1794C>T (NM_199460.3); c.1794C>T, p.Gly598= (NM_001129827.2, NM_001129829.2, NM_001129830.3 and 18 more transcripts); c.1785C>T, p.Gly595= (NM_001129844.2).
Identifiers: ClinVar variation 136615 (VCV000136615.51), dbSNP rs116491041, ClinGen allele CA289813.

ClinVar aggregate classification (germline): Benign/Likely benign. Review status: criteria provided, multiple submitters, no conflicts (2 of 4 stars). 9 submissions from 9 submitters: Benign (4); Likely benign (5). Last evaluated 2026-03-01.

Conditions:
CACNA1C-related disorder. Also called: CACNA1C-related disorders; CACNA1C-related condition. Identifiers: MedGen CN381092, MONDO:0700321.
Cardiovascular phenotype. Identifiers: MedGen CN230736.
Long QT syndrome (LQTS). Identifiers: MedGen C0023976, MeSH D008133, MONDO:0002442. Disease mechanism: loss of function. Inheritance: Various modes of inheritance.

Allele frequency attached by ClinVar (database versions not stated): gnomAD exomes 0.00017 and 0.00051; ExAC 0.00056; gnomAD 0.00182 and 0.00200; 1000 Genomes Project 30x 0.00187; TOPMed 0.00195; 1000 Genomes Project 0.00200; ESP Exome Variant Server 0.00208.
gnomAD v4.1: 541 of 1,613,462 alleles (0.034%); highest among the groups gnomAD compares: African/African-American, 0.63%; 3 homozygotes.

Submissions (9):

CeGaT Center for Human Genetics Tuebingen
Classification: Likely benign. Last evaluated: 2026-03-01. Review status: criteria provided, single submitter. Criteria: CeGaT Center For Human Genetics Tuebingen Variant Classification Criteria Version 2. Collection method: clinical testing. Allele origin: germline. Affected: yes. Observed: 3 variant alleles.
Comment: CACNA1C: BP4, BP7, BS1

Labcorp Genetics (formerly Invitae), Labcorp
Classification: Benign for Long QT syndrome. Last evaluated: 2026-02-03. Review status: criteria provided, single submitter. Criteria: Invitae Variant Classification Sherloc (09022015). Collection method: clinical testing. Allele origin: germline.

PreventionGenetics, part of Exact Sciences
Classification: Likely benign for CACNA1C-related condition. Last evaluated: 2025-05-02. Review status: criteria provided, single submitter. Criteria: ACMG Guidelines, 2015. Collection method: clinical testing. Allele origin: germline.
Comment: This variant is classified as likely benign based on ACMG/AMP sequence variant interpretation guidelines (Richards et al. 2015 PMID: 25741868, with internal and published modifications).

Molecular Diagnostic Laboratory for Inherited Cardiovascular Disease, Montreal Heart Institute
Classification: Benign. Last evaluated: 2025-04-09. Review status: criteria provided, single submitter. Criteria: ACMG Guidelines, 2015. Collection method: clinical testing. Allele origin: germline. Affected: no.

Blueprint Genetics
Classification: Likely benign. Last evaluated: 2024-10-09. Review status: criteria provided, single submitter. Criteria: ACMG Guidelines, 2015. Collection method: clinical testing. Allele origin: germline.

ARUP Laboratories, Molecular Genetics and Genomics, ARUP Laboratories
Classification: Benign. Last evaluated: 2019-03-13. Review status: criteria provided, single submitter. Criteria: ARUP Molecular Germline Variant Investigation Process. Collection method: clinical testing. Allele origin: germline.

Ambry Genetics
Classification: Likely benign for Cardiovascular phenotype. Last evaluated: 2016-12-21. Review status: criteria provided, single submitter. Criteria: Ambry Variant Classification Scheme 2023. Collection method: clinical testing. Allele origin: germline.

GeneDx
Classification: Benign. Last evaluated: 2012-04-17. Review status: criteria provided, single submitter. Criteria: GeneDx Variant Classification (06012015). Collection method: clinical testing. Allele origin: germline. Affected: yes.
Comment: This variant is considered likely benign or benign based on one or more of the following criteria: it is a conservative change, it occurs at a poorly conserved position in the protein, it is predicted to be benign by multiple in silico algorithms, and/or has population frequency not consistent with disease.

Breakthrough Genomics
Classification: Likely benign. Review status: criteria provided, single submitter. Criteria: ACMG Guidelines, 2015. Collection method: not provided. Allele origin: germline. Inheritance: Autosomal dominant inheritance. Affected: yes.